The following is an entry in ClinVar:

NM_000257.4(MYH7):c.2696C>A (p.Ala899Glu)

Gene: MYH7 (myosin heavy chain 7; minus strand). Cytogenetic location: 14q11.2.
Variant type: single nucleotide variant.
Coding change: c.2696C>A on transcript NM_000257.4 (MANE Select); coding-DNA position 2696, C replaced by A.
Protein change: p.Ala899Glu; replaces alanine 899 with glutamic acid.
Molecular consequence: missense variant.
Genome position (GRCh38, 1-based): chr14:23,424,133, G>T on the plus strand (C>A on the coding strand, the complement: MYH7 is on the minus strand). VCF-style: chr14-23424133-G-T. GRCh37 (hg19) VCF-style: chr14-23893342-G-T.
Other names: p.A899E:GCA>GAA; c.2696C>A (LRG_384t1); short protein forms A899E.
Identifiers: ClinVar variation 181199 (VCV000181199.9), dbSNP rs730880753, ClinGen allele CA012871.

ClinVar aggregate classification (germline): Conflicting classifications of pathogenicity. Review status: criteria provided, conflicting classifications (1 of 4 stars). 2 submissions from 2 submitters: Likely pathogenic (1); Uncertain significance (1). Last evaluated 2022-10-01.

Conditions:
Hypertrophic cardiomyopathy. Also called: HYPERTROPHIC MYOCARDIOPATHY. Identifiers: Orphanet 217569, MedGen C0007194, MeSH D002312, MONDO:0005045, HP:0001639.

Submissions (2):

Labcorp Genetics (formerly Invitae), Labcorp
Classification: Uncertain significance for Hypertrophic cardiomyopathy. Last evaluated: 2022-10-01. Review status: criteria provided, single submitter. Criteria: Invitae Variant Classification Sherloc (09022015). Collection method: clinical testing. Allele origin: germline.
Comment: In summary, the available evidence is currently insufficient to determine the role of this variant in disease. Therefore, it has been classified as a Variant of Uncertain Significance. This variant is found within a region of MYH7 between codons 181 and 937 that contains the majority of the myosin head domain. Missense variants in this region have been shown to be significantly overrepresented in individuals with hypertrophic cardiomyopathy (PMID: 27532257). Advanced modeling of protein sequence and biophysical properties (such as structural, functional, and spatial information, amino acid conservation, physicochemical variation, residue mobility, and thermodynamic stability) performed at Invitae indicates that this missense variant is not expected to disrupt MYH7 protein function. ClinVar contains an entry for this variant (Variation ID: 181199). This missense change has been observed in individual(s) with dilated cardiomyopathy (Invitae). This variant is not present in population databases (gnomAD no frequency). This sequence change replaces alanine, which is neutral and non-polar, with glutamic acid, which is acidic and polar, at codon 899 of the MYH7 protein (p.Ala899Glu).

GeneDx
Classification: Likely pathogenic. Last evaluated: 2013-12-02. Review status: criteria provided, single submitter. Criteria: GeneDx Variant Classification (06012015). Collection method: clinical testing. Allele origin: germline. Affected: yes.
Comment: p.Ala899Glu (GCA>GAA): c.2696 C>A in exon 23 of the MYH7 gene (NM_000257.2). The Ala899Glu variant in the MYH7 gene has not been reported as a disease-causing mutation or as a benign polymorphism to our knowledge. The Ala899Glu variant is a non-conservative amino acid substitution as these residues differ in polarity, charge, size and/or other properties and is more likely to impact secondary structure. The Ala899 residue is conserved through mammals and fowl. However, in silico analysis was inconsistent with regard to the effect this variant may have on the protein structure/function. Nevertheless, mutations in nearby residues (Ala893Val, Glu894Gly, Ala901Pro, Ala901Gly, Glu903Lys, Glu903Gly) have been reported in association with cardiomyopathy, supporting the functional importance of this region of the protein. Furthermore, the Ala899Glu variant was not observed in approximately 6500 individuals of European and African American ancestry in the NHLBI Exome Sequencing Project, indicating it is not a common benign variant in these populations. In summary, while Ala899Glu is a good candidate for a disease-causing mutation, with the clinical and molecular information available at this time we cannot unequivocally determine the clinical significance of this variant. The variant is found in DCM-CRDM panel(s).

Literature cited by the submitters: PubMed 27532257 (cited by Labcorp Genetics (formerly Invitae), Labcorp).